The following is an entry in ClinVar:

ClinVar aggregate classification (germline): Uncertain significance (1 of 4 stars; one submission).

Allele frequency attached by ClinVar (database versions not stated): gnomAD exomes below 0.00001.

Submission:

Labcorp Genetics (formerly Invitae), Labcorp
Classification: Uncertain significance. Last evaluated: 2023-04-06. Review status: criteria provided, single submitter. Criteria: Invitae Variant Classification Sherloc (09022015). Collection method: clinical testing. Allele origin: germline.
Comment: This sequence change affects codon 1258 of the ASPM mRNA. It is a 'silent' change, meaning that it does not change the encoded amino acid sequence of the ASPM protein. This variant is present in population databases (no rsID available, gnomAD 0.003%). This variant has not been reported in the literature in individuals affected with ASPM-related conditions. Algorithms developed to predict the effect of sequence changes on RNA splicing suggest that this variant may disrupt the consensus splice site. In summary, the available evidence is currently insufficient to determine the role of this variant in disease. Therefore, it has been classified as a Variant of Uncertain Significance.

NM_018136.5(ASPM):c.3774A>G (p.Ala1258=)

Gene: ASPM (assembly factor for spindle microtubules; minus strand). Cytogenetic location: 1q31.3.
Variant type: single nucleotide variant.
Coding change: c.3774A>G on transcript NM_018136.5 (MANE Select); coding-DNA position 3774, A replaced by G.
Protein change: p.Ala1258=; no amino-acid change (alanine 1258 retained).
Molecular consequence: synonymous variant.
Genome position (GRCh38, 1-based): chr1:197,122,011, T>C on the plus strand (A>G on the coding strand, the complement: ASPM is on the minus strand). VCF-style: chr1-197122011-T-C. GRCh37 (hg19) VCF-style: chr1-197091141-T-C.
Other names: c.3774A>G, p.Ala1258= (NM_001206846.2).
Identifiers: ClinVar variation 2791585 (VCV002791585.3), dbSNP rs1231549951, ClinGen allele CA422674853.
Genomic context (GRCh38, chr1:197,122,011, plus strand): 5'-TCTCCATGTTGTTTGTATGAGTCGAGCAGCTCTTATTTCTTTACGAAGATCCAAAAGCCT[T>C]GCACAAAGAAATGACAAATAGGTAATAACCACCTAAAAAAAACCCACAAAAGATAAAAAC-3'
Protein context (NP_060606.3, residues 1248-1268): VVITYLSFLC[Ala1258=]RLLDLRKEIR